The following is an entry in ClinVar:

ClinVar aggregate classification (germline): Conflicting classifications of pathogenicity. Review status: criteria provided, conflicting classifications (1 of 4 stars). 3 submissions from 3 submitters: Uncertain significance (1); Likely benign (1). 1 of the submissions does not count toward it. Last evaluated 2024-07-26.

Conditions:
TP63-related disorder. Also called: TP63-related condition; TP63-Related Disorders. Identifiers: MedGen CN380159.
TP63-Related Spectrum Disorders.
ADULT syndrome. Also called: ACRO-DERMATO-UNGUAL-LACRIMAL-TOOTH SYNDROME; Acro-dermato-ungual-lacrimal-tooth (adult) syndrome; Acro-Dermo-Ungual-Lacrimal-Tooth Syndrome (ADULT Syndrome). Identifiers: Orphanet 978, MedGen C1863204, MONDO:0007072, OMIM 103285.
Rapp-Hodgkin syndrome (RHS). Also called: ECTODERMAL DYSPLASIA, ANHIDROTIC, WITH CLEFT LIP/PALATE; Rapp-Hodgkin ectodermal dysplasia syndrome; Isolated Cleft Lip/Cleft Palate (Orofacial Cleft 8). Identifiers: MedGen C1785148, MONDO:0007508, OMIM 129400.
Ankyloblepharon-ectodermal defects-cleft lip/palate syndrome. Also called: Hay-Wells syndrome of ectodermal dysplasia; AEC SYNDROME; HAY-WELLS SYNDROME; Ankyloblepharon-ectodermal defects, cleft lip/palate; Ankyloblepharon-Ectodermal Defects-Cleft Lip/Palate Syndrome (AEC Syndrome). Identifiers: Orphanet 1071, MedGen C0406709, MONDO:0007124, OMIM 106260.
Ectrodactyly, ectodermal dysplasia, and cleft lip-palate syndrome 3. Also called: Ectrodactyly, Ectodermal Dysplasia, Clefting Syndrome; EEC SYNDROME 3; Ectrodactyly, Ectodermal Dysplasia, Cleft Lip/Palate Syndrome 3 (EEC3); Ectrodactyly, Ectodermal Dysplasia, Clefting Syndrome Type 3 (EEC3). Identifiers: Orphanet 1896, MedGen C1858562, MONDO:0011428, OMIM 604292.
Split hand-foot malformation 4. Also called: Split-Hand/Foot Malformation Type 4 (SHFM4); Split-Hand/Foot Malformation Type 4 (SHFM4 syndrome). Identifiers: Orphanet 2440, MedGen C1854442, MONDO:0011535, OMIM 605289.
Limb-mammary syndrome (LMS). Also called: Mammary hypoplasia, ectrodactyly, and other hand/foot anomalies. Identifiers: Orphanet 69085, MedGen C1863753, MONDO:0011334, OMIM 603543.
Premature ovarian failure 21 (POF21). Identifiers: MedGen C5830399, MONDO:0957216, OMIM 620311.
Orofacial cleft 8. Also called: Cleft lip with or without cleft palate, nonsyndromic, 8. Identifiers: MedGen C1851878, MONDO:0029145, OMIM 618149.

Allele frequency attached by ClinVar (database versions not stated): gnomAD exomes 0.00004; TOPMed 0.00001; gnomAD 0.00003; ExAC 0.00004.
gnomAD v4.1: 19 of 1,613,884 alleles (0.0012%); highest among the groups gnomAD compares: East Asian, 0.04%; no homozygotes.

Submissions (3):

Labcorp Genetics (formerly Invitae), Labcorp
Classification: Likely benign. Last evaluated: 2024-07-26. Review status: criteria provided, single submitter. Criteria: Invitae Variant Classification Sherloc (09022015). Collection method: clinical testing. Allele origin: germline.

Fulgent Genetics
Classification: Uncertain significance for ADULT syndrome; Ankyloblepharon-ectodermal defects-cleft lip/palate syndrome; Rapp-Hodgkin syndrome; Limb-mammary syndrome; Ectrodactyly, ectodermal dysplasia, and cleft lip-palate syndrome 3; Split hand-foot malformation 4; Orofacial cleft 8; Premature ovarian failure 21. Last evaluated: 2024-06-06. Review status: criteria provided, single submitter. Criteria: ACMG Guidelines, 2015. Collection method: clinical testing. Allele origin: germline.

PreventionGenetics, part of Exact Sciences
Classification: Uncertain significance for TP63-related condition. Last evaluated: 2024-05-21. Review status: no assertion criteria provided. Collection method: clinical testing. Allele origin: germline. Not counted in ClinVar's aggregate classification.
Comment: The TP63 c.1807G>C variant is predicted to result in the amino acid substitution p.Asp603His. This variant is reported in 0.060% of alleles in individuals of East Asian descent in gnomAD. Although we suspect that this variant may be benign, at this time, the clinical significance of this variant is uncertain due to the absence of conclusive functional and genetic evidence.

NM_003722.5(TP63):c.1807G>C (p.Asp603His)

Gene: TP63 (tumor protein p63; plus strand). Cytogenetic location: 3q28.
Variant type: single nucleotide variant.
Coding change: c.1807G>C on transcript NM_003722.5 (MANE Select); coding-DNA position 1807, G replaced by C.
Protein change: p.Asp603His; replaces aspartic acid 603 with histidine.
Molecular consequence: missense variant. On other transcripts: 3 prime UTR variant (6).
Genome position (GRCh38, 1-based): chr3:189,894,266, G>C. VCF-style: chr3-189894266-G-C. GRCh37 (hg19) VCF-style: chr3-189612055-G-C.
Other names: c.*45G>C (NM_001114978.2, NM_001114981.2); c.1525G>C, p.Asp509His (NM_001114980.2); c.*35G>C (NM_001329144.2, NM_001329145.2, NM_001329149.2 and 1 more transcripts); c.1270G>C, p.Asp424His (NM_001329146.2); c.1795G>C, p.Asp599His (NM_001329148.2); c.1801G>C, p.Asp601His (NM_001329964.2); c.1807G>C (NM_003722.4); short protein forms D599H, D509H, D603H, D601H, D424H.
Identifiers: ClinVar variation 1433359 (VCV001433359.10), dbSNP rs767906723, ClinGen allele CA2752582.